The following is an entry in ClinVar:

ClinVar aggregate classification (germline): Benign/Likely benign. Review status: criteria provided, single submitter (1 of 4 stars). 2 submissions from 1 submitter: Benign (1); Likely benign (1). Last evaluated 2018-01-13.

Conditions:
Familial spontaneous pneumothorax (PSP). Identifiers: Orphanet 2903, MedGen C1868193, MONDO:0008259, OMIM 173600.
Birt-Hogg-Dube syndrome. Also called: Birt Hogg Dubé syndrome. Identifiers: Orphanet 122, MedGen C0346010, MONDO:0800444.

Allele frequency attached by ClinVar (database versions not stated): gnomAD 0.00247 and 0.00265; TOPMed 0.00292; 1000 Genomes Project 30x 0.00375; 1000 Genomes Project 0.00399.

Submissions (2):

Illumina Laboratory Services, Illumina
Classification: Likely benign for Familial spontaneous pneumothorax. Last evaluated: 2018-01-13. Review status: criteria provided, single submitter. Criteria: ICSL Variant Classification Criteria 13 December 2019. Collection method: clinical testing. Allele origin: germline.
Comment: This variant was observed in the ICSL laboratory as part of a predisposition screen in an ostensibly healthy population. It had not been previously curated by ICSL or reported in the Human Gene Mutation Database (HGMD: prior to June 1st, 2018), and was therefore a candidate for classification through an automated scoring system. Utilizing variant allele frequency, disease prevalence and penetrance estimates, and inheritance mode, an automated score was calculated to assess if this variant is too frequent to cause the disease. Based on the score and internal cut-off values, a variant classified as likely benign is not then subjected to further curation. The score for this variant resulted in a classification of likely benign for this disease.

Illumina Laboratory Services, Illumina
Classification: Benign for Birt-Hogg-Dube syndrome 1. Last evaluated: 2018-01-13. Review status: criteria provided, single submitter. Criteria: ICSL Variant Classification Criteria 13 December 2019. Collection method: clinical testing. Allele origin: germline.
Comment: This variant was observed in the ICSL laboratory as part of a predisposition screen in an ostensibly healthy population. It had not been previously curated by ICSL or reported in the Human Gene Mutation Database (HGMD: prior to June 1st, 2018), and was therefore a candidate for classification through an automated scoring system. Utilizing variant allele frequency, disease prevalence and penetrance estimates, and inheritance mode, an automated score was calculated to assess if this variant is too frequent to cause the disease. Based on the score and internal cut-off values, a variant classified as benign is not then subjected to further curation. The score for this variant resulted in a classification of benign for this disease.

NM_144997.7(FLCN):c.-480G>C

Gene: FLCN (folliculin; minus strand). Cytogenetic location: 17p11.2.
Variant type: single nucleotide variant.
Coding change: c.-480G>C on transcript NM_144997.7 (MANE Select); 480 bases upstream of the start codon, G replaced by C.
Molecular consequence: 5 prime UTR variant.
Genome position (GRCh38, 1-based): chr17:17,237,164, C>G on the plus strand (G>C on the coding strand, the complement: FLCN is on the minus strand). VCF-style: chr17-17237164-C-G. GRCh37 (hg19) VCF-style: chr17-17140478-C-G.
Other names: c.-480G>C (LRG_325t1, NM_144606.7); c.-688G>C (NM_001353229.2); c.-763G>C (NM_001353230.2); c.-679G>C (NM_001353231.2).
Identifiers: ClinVar variation 322086 (VCV000322086.5), dbSNP rs564584154, ClinGen allele CA10649618.